The following is an entry in ClinVar:

NM_005751.5(AKAP9):c.10627G>A (p.Asp3543Asn)

Gene: AKAP9 (A-kinase anchoring protein 9; plus strand). Cytogenetic location: 7q21.2.
Variant type: single nucleotide variant.
Coding change: c.10627G>A on transcript NM_005751.5 (MANE Select); coding-DNA position 10627, G replaced by A.
Protein change: p.Asp3543Asn; replaces aspartic acid 3543 with asparagine.
Molecular consequence: missense variant.
Genome position (GRCh38, 1-based): chr7:92,098,128, G>A. VCF-style: chr7-92098128-G-A. GRCh37 (hg19) VCF-style: chr7-91727442-G-A.
Other names: c.5272G>A, p.Asp1758Asn (NM_001379277.1); c.10603G>A, p.Asp3535Asn (NM_147185.3); short protein forms D3535N, D1758N, D3543N.
Identifiers: ClinVar variation 1780529 (VCV001780529.2), dbSNP rs1433272242, ClinGen allele CA368157571.
Genomic context (GRCh38, chr7:92,098,128, plus strand): 5'-ATTGAGAAGGTATGTTTTGACTTTTTGTCTTTTTCTTGAAGACTACAGTTTGAAACAGCA[G>A]ATGATGAAGATTTCATTTGGGTTCAGGAAAATATTGATGAAATTATTTTACAACTACAGA-3'
Protein context (NP_005742.4, residues 3533-3553): ASERLQFETA[Asp3543Asn]DEDFIWVQEN

ClinVar aggregate classification (germline): Uncertain significance (1 of 4 stars; one submission).

Conditions:
Cardiovascular phenotype. Identifiers: MedGen CN230736.

gnomAD v4.1: 2 of 1,610,410 alleles (0.00012%); highest among the groups gnomAD compares: African/African-American, 0.0027%; no homozygotes.

Submission:

Ambry Genetics
Classification: Uncertain significance for Cardiovascular phenotype. Last evaluated: 2022-03-04. Review status: criteria provided, single submitter. Criteria: Ambry Variant Classification Scheme 2023. Collection method: clinical testing. Allele origin: germline.
Comment: The p.D3543N variant (also known as c.10627G>A), located in coding exon 43 of the AKAP9 gene, results from a G to A substitution at nucleotide position 10627. The aspartic acid at codon 3543 is replaced by asparagine, an amino acid with highly similar properties. This amino acid position is conserved. In addition, this alteration is predicted to be tolerated by in silico analysis. Since supporting evidence is limited at this time, the clinical significance of this alteration remains unclear.